The following is an entry in ClinVar:

NM_000416.3(IFNGR1):c.55dup (p.Met19fs)

Gene: IFNGR1 (interferon gamma receptor 1; minus strand). Cytogenetic location: 6q23.3.
Variant type: Duplication.
Coding change: c.55dup on transcript NM_000416.3 (MANE Select); coding-DNA position 55, one base duplicated (A; older notation c.55dupA).
Protein change: p.Met19fs; shifts the reading frame from methionine 19.
Molecular consequence: frameshift variant.
Genome position (GRCh38, 1-based): chr6:137,219,273, T duplicated on the plus strand (A on the coding strand, the reverse complement: IFNGR1 is on the minus strand). VCF-style (leftmost placement, unchanged base first): chr6-137219272-A-AT. GRCh37 (hg19) VCF-style: chr6-137540409-A-AT.
Other names: c.55dupA (NM_000416.3); short protein forms M19fs.
Identifiers: ClinVar variation 4071539 (VCV004071539.1).
Genomic context (GRCh38, chr6:137,219,272, plus strand): 5'-CCGGCCGCAGCCCTGCCGCGAACGACGGTACCTGAGGACGGCCCCAGATCCGCGGTGCCC[A>AT]TCTCAGCCCTGCTCACACCCTGCATGACAAGGGGTAGGAGAAAGAGGAGAGCCATGCTGC-3'

ClinVar aggregate classification (germline): Likely pathogenic (1 of 4 stars; one submission).

Conditions:
Immunodeficiency 27A (IMD27A). Also called: IFNGR1 DEFICIENCY, AUTOSOMAL RECESSIVE; IMMUNODEFICIENCY 27A, MYCOBACTERIOSIS, AUTOSOMAL RECESSIVE. Identifiers: Orphanet 319569, Orphanet 99898, MedGen C4011949, MONDO:0008856, OMIM 209950.

Submission:

Next Generation Genetic Polyclinic
Classification: Likely pathogenic for Immunodeficiency 27A. Last evaluated: 2025-04-23. Review status: criteria provided, single submitter. Criteria: ACMG Guidelines, 2015. Collection method: clinical testing. Allele origin: germline. Affected: yes. Observed: 1 variant allele.
Comment: A novel frameshift duplication in the IFNGR1 gene (c.55dupA) was detected by clinical testing in a homozygous state. This variant is classified as Likely Pathogenic. Sanger sequencing confirmed variant presence.